The following is an entry in ClinVar:

ClinVar aggregate classification (germline): Likely benign. Review status: criteria provided, multiple submitters, no conflicts (2 of 4 stars). 2 submissions from 2 submitters: Likely benign (2). Last evaluated 2025-12-23.

Conditions:
FHOD3-related disorder. Also called: FHOD3-related condition.

gnomAD v4.1: 729 of 1,611,774 alleles (0.045%); highest among the groups gnomAD compares: Non-Finnish European, 0.058%; 1 homozygote.

Submissions (2):

PreventionGenetics, part of Exact Sciences
Classification: Likely benign for FHOD3-related condition. Last evaluated: 2025-12-23. Review status: criteria provided, single submitter. Criteria: ACMG Guidelines, 2015. Collection method: clinical testing. Allele origin: germline.
Comment: This variant is classified as likely benign based on ACMG/AMP sequence variant interpretation guidelines (Richards et al. 2015 PMID: 25741868, with internal and published modifications).

Blueprint Genetics
Classification: Likely benign. Last evaluated: 2024-10-07. Review status: criteria provided, single submitter. Criteria: ACMG Guidelines, 2015. Collection method: clinical testing. Allele origin: germline.

NM_001281740.3(FHOD3):c.1125G>A (p.Ser375=)

Gene: FHOD3 (formin homology 2 domain containing 3; plus strand). Cytogenetic location: 18q12.2.
Variant type: single nucleotide variant.
Coding change: c.1125G>A on transcript NM_001281740.3 (MANE Select); coding-DNA position 1125, G replaced by A.
Protein change: p.Ser375=; no amino-acid change (serine 375 retained).
Molecular consequence: synonymous variant.
Genome position (GRCh38, 1-based): chr18:36,625,678, G>A. VCF-style: chr18-36625678-G-A. GRCh37 (hg19) VCF-style: chr18-34205641-G-A.
Other names: c.1125G>A (NM_001281740.2); c.1125G>A, p.Ser375= (NM_001281739.3, NM_025135.5).
Identifiers: ClinVar variation 4938733 (VCV004938733.2).